The following is an entry in ClinVar:

NM_002875.5(RAD51):c.531G>C (p.Arg177Ser)

Gene: RAD51 (RAD51 recombinase; plus strand). Cytogenetic location: 15q15.1.
Variant type: single nucleotide variant.
Coding change: c.531G>C on transcript NM_002875.5 (MANE Select); coding-DNA position 531, G replaced by C.
Protein change: p.Arg177Ser; replaces arginine 177 with serine.
Molecular consequence: missense variant.
Genome position (GRCh38, 1-based): chr15:40,728,711, G>C. VCF-style: chr15-40728711-G-C. GRCh37 (hg19) VCF-style: chr15-41020909-G-C.
Other names: c.534G>C, p.Arg178Ser (NM_001164269.2, NM_133487.4); c.531G>C, p.Arg177Ser (NM_001164270.2); short protein forms R177S, R178S.
Identifiers: ClinVar variation 3222858 (VCV003222858.1), dbSNP rs1896715035, ClinGen allele CA391757023.

ClinVar aggregate classification (germline): Uncertain significance (1 of 4 stars; one submission).

Conditions:
Inborn genetic diseases. Identifiers: MedGen C0950123, MeSH D030342.

Submission:

Ambry Genetics
Classification: Uncertain significance for Inborn genetic diseases. Last evaluated: 2023-10-06. Review status: criteria provided, single submitter. Criteria: Ambry Variant Classification Scheme 2023. Collection method: clinical testing. Allele origin: germline.
Comment: The p.R177S variant (also known as c.531G>C) is located in coding exon 6 of the RAD51 gene. The arginine at codon 177 is replaced by serine, an amino acid with dissimilar properties. This change occurs in the first base pair of coding exon 6. This amino acid position is conserved. In addition, the in silico prediction for this alteration is inconclusive. Since supporting evidence is limited at this time, the clinical significance of this alteration remains unclear.